The following is an entry in ClinVar:

ClinVar aggregate classification (germline): Uncertain significance (1 of 4 stars; one submission).

Submission:

Labcorp Genetics (formerly Invitae), Labcorp
Classification: Uncertain significance. Last evaluated: 2025-09-14. Review status: criteria provided, single submitter. Criteria: Invitae Variant Classification Sherloc (09022015). Collection method: clinical testing. Allele origin: germline.
Comment: This sequence change replaces proline, which is neutral and non-polar, with leucine, which is neutral and non-polar, at codon 136 of the EDNRB protein (p.Pro136Leu). This variant is not present in population databases (gnomAD no frequency). This variant has not been reported in the literature in individuals affected with EDNRB-related conditions. Invitae Evidence Modeling of protein sequence and biophysical properties (such as structural, functional, and spatial information, amino acid conservation, physicochemical variation, residue mobility, and thermodynamic stability) indicates that this missense variant is expected to disrupt EDNRB protein function with a positive predictive value of 80%. In summary, the available evidence is currently insufficient to determine the role of this variant in disease. Therefore, it has been classified as a Variant of Uncertain Significance.

NM_001122659.3(EDNRB):c.407C>T (p.Pro136Leu)

Gene: EDNRB (endothelin receptor type B; minus strand). Cytogenetic location: 13q22.3.
Variant type: single nucleotide variant.
Coding change: c.407C>T on transcript NM_001122659.3 (MANE Select); coding-DNA position 407, C replaced by T.
Protein change: p.Pro136Leu; replaces proline 136 with leucine.
Molecular consequence: missense variant.
Genome position (GRCh38, 1-based): chr13:77,918,167, G>A on the plus strand (C>T on the coding strand, the complement: EDNRB is on the minus strand). VCF-style: chr13-77918167-G-A. GRCh37 (hg19) VCF-style: chr13-78492302-G-A.
Other names: c.407C>T, p.Pro136Leu (NM_000115.5, NM_003991.4); c.677C>T, p.Pro226Leu (NM_001201397.2); short protein forms P136L, P226L.
Identifiers: ClinVar variation 4745299 (VCV004745299.1).